The following is an entry in ClinVar:

NM_001364905.1(LRBA):c.4947dup (p.Lys1650Ter)

Gene: LRBA (LPS responsive beige-like anchor protein; minus strand). Cytogenetic location: 4q31.3.
Variant type: Duplication.
Coding change: c.4947dup on transcript NM_001364905.1 (MANE Select); coding-DNA position 4947, one base duplicated (T; older notation c.4947dupT).
Protein change: p.Lys1650Ter; replaces lysine 1650 with a stop codon.
Molecular consequence: nonsense. On other transcripts: frameshift variant (2).
Genome position (GRCh38, 1-based): chr4:150,828,404, A duplicated on the plus strand (T on the coding strand, the reverse complement: LRBA is on the minus strand). VCF-style (leftmost placement, unchanged base first): chr4-150828403-T-TA. GRCh37 (hg19) VCF-style: chr4-151749555-T-TA.
Other names: c.4947dup, p.Lys1650Terfs (NM_001199282.3, NM_006726.5); c.4947dup, p.Lys1650Ter (NM_001367550.1); short protein forms K1650*.
Identifiers: ClinVar variation 3603293 (VCV003603293.1).

ClinVar aggregate classification (germline): Likely pathogenic (1 of 4 stars; one submission).

Conditions:
Combined immunodeficiency due to LRBA deficiency. Also called: Common variable immunodeficiency 8, with autoimmunity. Identifiers: Orphanet 445018, MedGen C3553512, MONDO:0013863, OMIM 614700.

Submission:

Neuberg Centre For Genomic Medicine, NCGM
Classification: Likely pathogenic for Combined immunodeficiency due to LRBA deficiency. Review status: criteria provided, single submitter. Criteria: ACMG Guidelines, 2015. Collection method: clinical testing. Allele origin: germline. Inheritance: Autosomal recessive inheritance. Affected: yes.
Comment: The frameshift c.4947dup (p.Lys1650Ter) variant in LRBA gene has not been reported previously as a pathogenic variant nor as a benign variant, to our knowledge. The p.Lys1650Ter variant is absent in gnomAD Exomes. This variant has not been submitted to the ClinVar database. This variant is predicted to cause loss of normal protein function through protein truncation. Loss of function variants have been previously reported to be disease causing. Functional studies are required to prove the pathogenicity for the variant, for these reasons, this variant has been classified as Likely Pathogenic.